The following is an entry in ClinVar:

ClinVar aggregate classification (germline): Pathogenic (1 of 4 stars; one submission).

Conditions:
Autosomal recessive spastic paraplegia type 78. Identifiers: Orphanet 513436, MedGen C5567893, MONDO:0014975, OMIM 617225.
Kufor-Rakeb syndrome (KRS). Also called: PARKINSON DISEASE 9, AUTOSOMAL RECESSIVE, JUVENILE-ONSET. Identifiers: Orphanet 306674, Orphanet 314632, MedGen C1847640, MONDO:0011706, OMIM 606693.

Submission:

Labcorp Genetics (formerly Invitae), Labcorp
Classification: Pathogenic for Kufor-Rakeb syndrome; Autosomal recessive spastic paraplegia type 78. Last evaluated: 2024-07-24. Review status: criteria provided, single submitter. Criteria: Invitae Variant Classification Sherloc (09022015). Collection method: clinical testing. Allele origin: germline.
Comment: This sequence change creates a premature translational stop signal (p.Pro657Argfs*51) in the ATP13A2 gene. It is expected to result in an absent or disrupted protein product. Loss-of-function variants in ATP13A2 are known to be pathogenic (PMID: 16964263, 21696388). This variant is not present in population databases (gnomAD no frequency). This variant has not been reported in the literature in individuals affected with ATP13A2-related conditions. For these reasons, this variant has been classified as Pathogenic.

Literature cited by the submitters: PubMed 16964263; PubMed 21696388.

NM_022089.4(ATP13A2):c.1970del (p.Pro657fs)

Gene: ATP13A2 (ATPase cation transporting 13A2; minus strand). Cytogenetic location: 1p36.13.
Variant type: Deletion.
Coding change: c.1970del on transcript NM_022089.4 (MANE Select); coding-DNA position 1970, one base deleted (C; older notation c.1970delC).
Protein change: p.Pro657fs; shifts the reading frame from proline 657.
Molecular consequence: frameshift variant.
Genome position (GRCh38, 1-based): chr1:16,992,278, G deleted on the plus strand (C on the coding strand, the reverse complement: ATP13A2 is on the minus strand); the first of 4 consecutive G bases (chr1:16,992,278-16,992,281); deleting any one gives the same sequence. VCF-style (leftmost placement, unchanged base first): chr1-16992277-CG-C. GRCh37 (hg19) VCF-style: chr1-17318772-CG-C.
Other names: c.1955del, p.Pro652fs (NM_001141973.3, NM_001141974.3); short protein forms P652fs, P657fs.
Identifiers: ClinVar variation 3757378 (VCV003757378.2).
Genomic context (GRCh38, chr1:16,992,277, plus strand): 5'-GGGGACTCAGGGGCTTCCCCCTGCACCTGTCTCGGGGTTGCAGAGCCCTGCCACCAGCTC[CG>C]GGGAGCCTTTGACGTAGGCCTCGGGCTGAGTGGCCCCTGGCCACGCCACCACCACACTCA-3'